The following is an entry in ClinVar:

NM_001283009.2(RTEL1):c.197G>T (p.Gly66Val)

Genes: RTEL1 (regulator of telomere elongation helicase 1; plus strand), RTEL1-TNFRSF6B (RTEL1-TNFRSF6B readthrough (NMD candidate); plus strand). Cytogenetic location: 20q13.33.
Variant type: single nucleotide variant.
Coding change: c.197G>T on transcript NM_001283009.2 (MANE Select); coding-DNA position 197, G replaced by T.
Protein change: p.Gly66Val; replaces glycine 66 with valine.
Molecular consequence: missense variant. On other transcripts: non-coding transcript variant (1), 5 prime UTR variant (1).
Genome position (GRCh38, 1-based): chr20:63,661,392, G>T. VCF-style: chr20-63661392-G-T. GRCh37 (hg19) VCF-style: chr20-62292745-G-T.
Other names: c.-473G>T (NM_001283010.1); c.197G>T, p.Gly66Val (NM_016434.4, NM_032957.5); short protein forms G66V.
Identifiers: ClinVar variation 1504708 (VCV001504708.3), dbSNP rs777459653, ClinGen allele CA409657933.

ClinVar aggregate classification (germline): Uncertain significance (1 of 4 stars; one submission).

Conditions:
Dyskeratosis congenita, autosomal recessive 5 (DKCB5). Identifiers: MedGen C3554656, MONDO:0014076, OMIM 615190.
Pulmonary fibrosis and/or bone marrow failure, Telomere-related, 3. Also called: PULMONARY FIBROSIS AND/OR BONE MARROW FAILURE SYNDROME, TELOMERE-RELATED, 3. Identifiers: Orphanet 2032, MedGen C4225346, MONDO:0014613, OMIM 616373.

Submission:

Labcorp Genetics (formerly Invitae), Labcorp
Classification: Uncertain significance for Dyskeratosis congenita, autosomal recessive 5; Pulmonary fibrosis and/or bone marrow failure, Telomere-related, 3. Last evaluated: 2021-10-06. Review status: criteria provided, single submitter. Criteria: Invitae Variant Classification Sherloc (09022015). Collection method: clinical testing. Allele origin: germline.
Comment: This sequence change replaces glycine with valine at codon 66 of the RTEL1 protein (p.Gly66Val). The glycine residue is weakly conserved and there is a moderate physicochemical difference between glycine and valine. This variant is not present in population databases (ExAC no frequency). This variant has not been reported in the literature in individuals affected with RTEL1-related conditions. Algorithms developed to predict the effect of missense changes on protein structure and function (SIFT, PolyPhen-2, Align-GVGD) all suggest that this variant is likely to be tolerated. In summary, the available evidence is currently insufficient to determine the role of this variant in disease. Therefore, it has been classified as a Variant of Uncertain Significance.